The following is an entry in ClinVar:

ClinVar aggregate classification (germline): Uncertain significance (1 of 4 stars; one submission).

Conditions:
SEMA3C-related disorder. Also called: SEMA3C-related condition.

gnomAD v4.1: 1 of 1,609,836 alleles (0.000062%); highest among the groups gnomAD compares: Admixed American, 0.0017%; no homozygotes.

Submission:

PreventionGenetics, part of Exact Sciences
Classification: Uncertain significance for SEMA3C-related condition. Last evaluated: 2025-03-17. Review status: criteria provided, single submitter. Criteria: ACMG Guidelines, 2015. Collection method: clinical testing. Allele origin: germline.
Comment: The SEMA3C c.966A>C variant is predicted to result in the amino acid substitution p.Glu322Asp. To our knowledge, this variant has not been reported in the literature. This variant is reported in 0.0029% of alleles in individuals of Latino descent in gnomAD. At this time, the clinical significance of this variant is uncertain due to the absence of conclusive functional and genetic evidence.

NM_006379.5(SEMA3C):c.912A>C (p.Glu304Asp)

Gene: SEMA3C (semaphorin 3C; minus strand). Cytogenetic location: 7q21.11.
Variant type: single nucleotide variant.
Coding change: c.912A>C on transcript NM_006379.5 (MANE Select); coding-DNA position 912, A replaced by C.
Protein change: p.Glu304Asp; replaces glutamic acid 304 with aspartic acid.
Molecular consequence: missense variant.
Genome position (GRCh38, 1-based): chr7:80,802,669, T>G on the plus strand (A>C on the coding strand, the complement: SEMA3C is on the minus strand). VCF-style: chr7-80802669-T-G. GRCh37 (hg19) VCF-style: chr7-80431985-T-G.
Other names: c.966A>C, p.Glu322Asp (NM_001350120.2); c.738A>C, p.Glu246Asp (NM_001350121.2); short protein forms E304D, E322D, E246D.
Identifiers: ClinVar variation 4985417 (VCV004985417.1).
Genomic context (GRCh38, chr7:80,802,669, plus strand): 5'-ATATAAACTTTACAAGCCTTCTTTCAGAAGCATTTTTCAATCTCATATGTATGTACCTAA[T>G]TCATCAAAGTGTGTTTCTGGGCCGTCTTCATCTGTTACCGAGCACACCAGCCTCGCCTTT-3'
Protein context (NP_006370.1, residues 294-314): DEDGPETHFD[Glu304Asp]LEDVFLLETD